The following is an entry in ClinVar:

ClinVar aggregate classification (germline): not provided (0 of 4 stars; one submission).

Allele frequency attached by ClinVar (database versions not stated): gnomAD 0.00001; TOPMed 0.00001; gnomAD exomes 0.00003.
gnomAD v4.1: 30 of 1,256,984 alleles (0.0024%); highest among the groups gnomAD compares: Non-Finnish European, 0.0032%; no homozygotes.

Submission:

Human Evolutionary Genetics, Institut Pasteur
No classification provided. Review status: no classification provided. Collection method: not provided. Allele origin: germline.
ClinVar note: Converted during submission from untested to not provided.

NM_176810.2(NLRP13):c.2111+89G>T

Gene: NLRP13 (NLR family pyrin domain containing 13; minus strand). Cytogenetic location: 19q13.43.
Variant type: single nucleotide variant.
Coding change: c.2111+89G>T on transcript NM_176810.2 (MANE Select); 89 bases into the intron after coding-DNA position 2111, G replaced by T.
Molecular consequence: intron variant.
Genome position (GRCh38, 1-based): chr19:55,911,617, C>A on the plus strand (G>T on the coding strand, the complement: NLRP13 is on the minus strand). VCF-style: chr19-55911617-C-A. GRCh37 (hg19) VCF-style: chr19-56422983-C-A.
Other names: c.2111+89G>T (NM_001321057.1).
Identifiers: ClinVar variation 103306 (VCV000103306.2), dbSNP rs199476252, ClinGen allele CA230394.